The following is an entry in ClinVar:

ClinVar aggregate classification (germline): Pathogenic (1 of 4 stars; one submission).

Conditions:
Hypertrophic cardiomyopathy. Also called: HYPERTROPHIC MYOCARDIOPATHY. Identifiers: Orphanet 217569, MedGen C0007194, MeSH D002312, MONDO:0005045, HP:0001639.

Submission:

Labcorp Genetics (formerly Invitae), Labcorp
Classification: Pathogenic for Hypertrophic cardiomyopathy. Last evaluated: 2020-05-05. Review status: criteria provided, single submitter. Criteria: Invitae Variant Classification Sherloc (09022015). Collection method: clinical testing. Allele origin: germline.
Comment: This variant is an out-of-frame deletion of the genomic region encompassing exons 23-26 of the MYBPC3 gene. This is expected to create a premature translational stop signal and result in an absent or disrupted protein product. A similar variant has been reported in individuals affected with hypertrophic cardiomyopathy (PMID: 27532257, 22115648). Loss-of-function variants in MYBPC3 are known to be pathogenic (PMID: 19574547). For these reasons, this variant has been classified as Pathogenic.

Literature cited by the submitters: PubMed 27532257; PubMed 22115648; PubMed 19574547.

NC_000011.9:g.(?_47357416)_(47360310_?)del

Gene: MYBPC3 (myosin binding protein C3; minus strand). Cytogenetic location: 11p11.2.
Variant type: Deletion.
Identifiers: ClinVar variation 1075727 (VCV001075727.1).